The following is an entry in ClinVar:

ClinVar aggregate classification (germline): Likely benign (1 of 4 stars; one submission).

Allele frequency attached by ClinVar (database versions not stated): ExAC 0.00003.
gnomAD v4.1: 7 of 1,600,768 alleles (0.00044%); highest among the groups gnomAD compares: Non-Finnish European, 0.0006%; no homozygotes.

Submission:

CeGaT Center for Human Genetics Tuebingen
Classification: Likely benign. Last evaluated: 2025-12-01. Review status: criteria provided, single submitter. Criteria: CeGaT Center For Human Genetics Tuebingen Variant Classification Criteria Version 2. Collection method: clinical testing. Allele origin: germline. Affected: yes. Observed: 2 variant alleles.
Comment: APC2: BP4, BP7

NM_005883.3(APC2):c.810C>T (p.Asn270=)

Gene: APC2 (APC regulator of Wnt signaling pathway 2; plus strand). Cytogenetic location: 19p13.3.
Variant type: single nucleotide variant.
Coding change: c.810C>T on transcript NM_005883.3 (MANE Select); coding-DNA position 810, C replaced by T.
Protein change: p.Asn270=; no amino-acid change (asparagine 270 retained).
Molecular consequence: synonymous variant.
Genome position (GRCh38, 1-based): chr19:1,456,398, C>T. VCF-style: chr19-1456398-C-T. GRCh37 (hg19) VCF-style: chr19-1456397-C-T.
Other names: c.807C>T, p.Asn269= (NM_001351273.1).
Identifiers: ClinVar variation 3067239 (VCV003067239.21), dbSNP rs753146427, ClinGen allele CA9044891.